The following is an entry in ClinVar:

NM_000038.6(APC):c.7986G>C (p.Glu2662Asp)

Gene: APC (APC regulator of Wnt signaling pathway; plus strand). Cytogenetic location: 5q22.2.
Variant type: single nucleotide variant.
Coding change: c.7986G>C on transcript NM_000038.6 (MANE Select); coding-DNA position 7986, G replaced by C.
Protein change: p.Glu2662Asp; replaces glutamic acid 2662 with aspartic acid.
Molecular consequence: missense variant. On other transcripts: non-coding transcript variant (2).
Genome position (GRCh38, 1-based): chr5:112,843,580, G>C. VCF-style: chr5-112843580-G-C. GRCh37 (hg19) VCF-style: chr5-112179277-G-C.
Other names: c.7986G>C, p.Glu2662Asp (NM_001127510.3, NM_001354895.2, NM_001407450.1); c.7932G>C, p.Glu2644Asp (NM_001127511.3); c.8040G>C, p.Glu2680Asp (NM_001354896.2, NM_001407447.1, NM_001407448.1 and 1 more transcripts); c.8016G>C, p.Glu2672Asp (NM_001354897.2); c.7911G>C, p.Glu2637Asp (NM_001354898.2); c.7902G>C, p.Glu2634Asp (NM_001354899.2); c.7863G>C, p.Glu2621Asp (NM_001354900.2); c.7809G>C, p.Glu2603Asp (NM_001354901.2, NM_001407453.1); and 11 more; short protein forms E2379D, E2533D, E2579D, E2644D, E2278D, E2502D, E2536D, E2561D.
Identifiers: ClinVar variation 4825026 (VCV004825026.1).

ClinVar aggregate classification (germline): Uncertain significance (1 of 4 stars; one submission).

Conditions:
Hereditary cancer-predisposing syndrome. Also called: Neoplastic Syndromes, Hereditary; Tumor predisposition; Hereditary Cancer Syndrome; Hereditary neoplastic syndrome. Identifiers: Orphanet 140162, MedGen C0027672, MeSH D009386, MONDO:0015356.

Submission:

Ambry Genetics
Classification: Uncertain significance for Hereditary cancer-predisposing syndrome. Last evaluated: 2026-01-15. Review status: criteria provided, single submitter. Criteria: Ambry Variant Classification Scheme 2023. Collection method: clinical testing. Allele origin: germline.
Comment: The p.E2662D variant (also known as c.7986G>C), located in coding exon 15 of the APC gene, results from a G to C substitution at nucleotide position 7986. The glutamic acid at codon 2662 is replaced by aspartic acid, an amino acid with highly similar properties. This amino acid position is conserved. In addition, in silico predictors for this gene do not accurately predict pathogenicity. Based on the available evidence, the clinical significance of this variant remains unclear.